The following is an entry in ClinVar:

NM_001020658.2(PUM1):c.2470G>A (p.Val824Ile)

Gene: PUM1 (pumilio RNA binding family member 1; minus strand). Cytogenetic location: 1p35.2.
Variant type: single nucleotide variant.
Coding change: c.2470G>A on transcript NM_001020658.2 (MANE Select); coding-DNA position 2470, G replaced by A.
Protein change: p.Val824Ile; replaces valine 824 with isoleucine.
Molecular consequence: missense variant.
Genome position (GRCh38, 1-based): chr1:30,953,835, C>T on the plus strand (G>A on the coding strand, the complement: PUM1 is on the minus strand). VCF-style: chr1-30953835-C-T. GRCh37 (hg19) VCF-style: chr1-31426682-C-T.
Other names: c.2470G>A, p.Val824Ile (NM_014676.3); short protein forms V824I.
Identifiers: ClinVar variation 3769325 (VCV003769325.3).

ClinVar aggregate classification (germline): Uncertain significance (1 of 4 stars; one submission).

gnomAD v4.1: 1 of 1,614,224 alleles (0.000062%); highest among the groups gnomAD compares: Non-Finnish European, 0.000085%; no homozygotes.

Submission:

Women's Health and Genetics/Laboratory Corporation of America, LabCorp
Classification: Uncertain significance. Last evaluated: 2026-03-23. Review status: criteria provided, single submitter. Criteria: LabCorp Variant Classification Summary - May 2015. Collection method: clinical testing. Allele origin: germline.
Comment: Variant summary: PUM1 c.2470G>A (p.Val824Ile) results in a conservative amino acid change in the encoded protein sequence. Algorithms developed to predict the effect of missense changes on protein structure and function are either unavailable or do not agree on the potential impact of this missense change. The variant allele was found at a frequency of 4e-06 in 251304 control chromosomes. The available data on variant occurrences in the general population are insufficient to allow any conclusion about variant significance. To our knowledge, no occurrence of c.2470G>A in individuals affected with PUM1-related conditions and no experimental evidence demonstrating its impact on protein function have been reported. ClinVar contains an entry for this variant (Variation ID: 3769325). Based on the evidence outlined above, the variant was classified as uncertain significance.